The following is an entry in ClinVar:

NM_000531.6(OTC):c.674C>G (p.Pro225Arg)

Gene: OTC (ornithine transcarbamylase; plus strand). Cytogenetic location: Xp11.4.
Variant type: single nucleotide variant.
Coding change: c.674C>G on transcript NM_000531.6 (MANE Select); coding-DNA position 674, C replaced by G.
Protein change: p.Pro225Arg; replaces proline 225 with arginine.
Molecular consequence: missense variant.
Genome position (GRCh38, 1-based): chrX:38,408,752, C>G. VCF-style: chrX-38408752-C-G. GRCh37 (hg19) VCF-style: chrX-38268005-C-G.
Other names: short protein forms P225R.
Identifiers: ClinVar variation 97291 (VCV000097291.2), dbSNP rs67120076, ClinGen allele CA224740.

ClinVar aggregate classification (germline): Pathogenic (0 of 4 stars; one submission).

Submission:

GenMed Metabolism Lab
Classification: Pathogenic. Review status: no assertion criteria provided. Collection method: not provided. Allele origin: unknown.
Comment: p.Pro225Arg, Neonatal, Undetectable protein in liver
ClinVar note: Converted during submission from pathogenic to Pathogenic.